The following is an entry in ClinVar:

NM_020738.4(KIDINS220):c.3414+3A>G

Gene: KIDINS220 (kinase D interacting substrate 220; minus strand). Cytogenetic location: 2p25.1.
Variant type: single nucleotide variant.
Coding change: c.3414+3A>G on transcript NM_020738.4 (MANE Select); 3 bases into the intron after coding-DNA position 3414, A replaced by G.
Molecular consequence: intron variant.
Genome position (GRCh38, 1-based): chr2:8,750,109, T>C on the plus strand (A>G on the coding strand, the complement: KIDINS220 is on the minus strand). VCF-style: chr2-8750109-T-C. GRCh37 (hg19) VCF-style: chr2-8890239-T-C.
Other names: c.3414+3A>G (NM_001348741.2, NM_001348738.2, NM_001348742.2 and 3 more transcripts); c.3417+3A>G (NM_001348739.2, NM_001348740.2, NM_001348734.2 and 2 more transcripts); c.3288+3A>G (NM_001348736.2).
Identifiers: ClinVar variation 3355855 (VCV003355855.1).
Genomic context (GRCh38, chr2:8,750,109, plus strand): 5'-GCAGAAAACTGAGGTTTCCCTGTAACAAATTCTTAAAAATAAAGCTGCCTCCAACTTCCT[T>C]ACCCTGTTGTAGAAGGGATGCTGAGGGCCCGTCATGCCGCTGTAATAGCTGCTGTGAGGC-3'

ClinVar aggregate classification (germline): Likely benign (0 of 4 stars; one submission).

Conditions:
KIDINS220-related disorder. Also called: KIDINS220-related condition.

gnomAD v4.1: 10 of 1,612,384 alleles (0.00062%); highest among the groups gnomAD compares: Non-Finnish European, 0.00076%; no homozygotes.

Submission:

PreventionGenetics, part of Exact Sciences
Classification: Likely benign for KIDINS220-related condition. Last evaluated: 2022-03-25. Review status: no assertion criteria provided. Collection method: clinical testing. Allele origin: germline.
Comment: This variant is classified as likely benign based on ACMG/AMP sequence variant interpretation guidelines (Richards et al. 2015 PMID: 25741868, with internal and published modifications).